The following is an entry in ClinVar:

NM_001009944.3(PKD1):c.8284_8295del (p.Ile2762_Arg2765del)

Gene: PKD1 (polycystin 1, transient receptor potential channel interacting; minus strand). Cytogenetic location: 16p13.3.
Variant type: Deletion.
Coding change: c.8284_8295del on transcript NM_001009944.3 (MANE Select); coding-DNA positions 8284 to 8295, 12 bases deleted (ATCCTCATGCGC).
Protein change: p.Ile2762_Arg2765del.
Molecular consequence: inframe deletion.
Genome position (GRCh38, 1-based): chr16:2,103,762-2,103,773, GCGCATGAGGAT deleted on the plus strand (ATCCTCATGCGC on the coding strand, the reverse complement: PKD1 is on the minus strand); deleting any 12 consecutive bases within chr16:2,103,762-2,103,783 gives the same sequence; the c. name uses the placement nearest the transcript's 3' end. VCF-style (leftmost placement, unchanged base first): chr16-2103761-AGCGCATGAGGAT-A. GRCh37 (hg19) VCF-style: chr16-2153762-AGCGCATGAGGAT-A.
Other names: p.2762_2765del; c.8284_8295del, p.Ile2762_Arg2765del (NM_000296.4); c.8284_8295del12 (NM_001009944.2).
Identifiers: ClinVar variation 636689 (VCV000636689.33), dbSNP rs1596527370, ClinGen allele CA915949007.

ClinVar aggregate classification (germline): Conflicting classifications of pathogenicity. Review status: criteria provided, conflicting classifications (1 of 4 stars). 9 submissions from 9 submitters: Pathogenic (3); Likely pathogenic (5); Uncertain significance (1). Last evaluated 2025-12-01.

Conditions:
Polycystic kidney disease, adult type (PKD1). Also called: POLYCYSTIC KIDNEY DISEASE 1 WITH OR WITHOUT POLYCYSTIC LIVER DISEASE; Polycystic Kidney Disease 1, Autosomal Dominant; Polycystic kidney disease 1; Polycystic kidney disease 1, severe; POLYCYSTIC KIDNEY DISEASE, ADULT, TYPE I; Polycystic Kidney, Autosomal Dominant. Identifiers: MedGen C3149841, MONDO:0008263, OMIM 173900.
PKD1-related disorder. Also called: PKD1-related condition.

Submissions (9):

Victorian Clinical Genetics Services, Murdoch Childrens Research Institute
Classification: Likely pathogenic for Polycystic kidney disease, adult type. Last evaluated: 2025-12-01. Review status: criteria provided, single submitter. Criteria: ACMG Guidelines, 2015. Collection method: clinical testing. Allele origin: germline. Affected: yes.
Comment: This variant is classified as Likely pathogenic. Evidence in support of pathogenic classification: In-frame insertion/deletion in a non-repetitive region that has moderate conservation; Variant is absent from gnomAD (v2, v3 and v4); This variant has strong previous evidence of pathogenicity in unrelated individuals. This variant has been classified as likely pathogenic/pathogenic by clinical laboratories in ClinVar, with one additional VUS entry. It has also been reported in the literature in an individual from an Irish PKD cohort (PMID: 33454723); Another in-frame insertion/deletion variant comparable to the one identified in this case has limited previous evidence for pathogenicity. p.(Leu2763del) has been classified as likely pathogenic by a clinical laboratory in ClinVar. It has also been observed in an individual with PKD (PMID: 26453610). Additional information: This variant is suspected mosaic; This gene is associated with autosomal dominant disease. Polycystic kidney disease 1 (MIM#173900) is predominantly caused by monoallelic variants, with rare reports of biallelic variants causing disease (OMIM); Variant is not located in an established domain, motif, hotspot or informative constraint region; Loss of function is a known mechanism of disease in this gene and is associated with polycystic kidney disease 1 (MIM#173900); Inheritance information for this variant is not currently available in this individual.

PreventionGenetics, part of Exact Sciences
Classification: Pathogenic for PKD1-related condition. Last evaluated: 2025-05-20. Review status: criteria provided, single submitter. Criteria: ACMG Guidelines, 2015. Collection method: clinical testing. Allele origin: germline.
Comment: The PKD1 c.8284_8295del12 variant is predicted to result in an in-frame deletion (p.Ile2762_Arg2765del). This variant was reported in individuals with polycystic kidney disease (Neumann et al. 2012. PubMed ID: 22367170; Supplementary Table 3, Benson et al. 2021. PubMed ID: 33454723). In addition, we also found this variant in multiple patients tested for PKD (Internal Data, PreventionGenetics). This variant has not been reported in a large population database (gnomAD), indicating this variant is rare. Of note, in-frame small deletions in the PKD1 gene have been commonly found to be pathogenic for autosomal dominant polycystic kidney disease (ADPKD) and this variant is listed as pathogenic in an ADPKD-specific variant database. This variant is interpreted as pathogenic.

CeGaT Center for Human Genetics Tuebingen
Classification: Likely pathogenic. Last evaluated: 2025-04-01. Review status: criteria provided, single submitter. Criteria: CeGaT Center For Human Genetics Tuebingen Variant Classification Criteria Version 2. Collection method: clinical testing. Allele origin: germline. Affected: yes. Observed: 3 variant alleles.
Comment: PKD1: PM2, PM4, PS4:Moderate

3billion
Classification: Pathogenic for Polycystic kidney disease, adult type. Last evaluated: 2025-03-31. Review status: criteria provided, single submitter. Criteria: ACMG Guidelines, 2015. Collection method: clinical testing. Allele origin: germline. Affected: yes.
Comment: The variant is not observed in the gnomAD v4.1.0 dataset. Predicted Consequence/Location: Inframe deletion located in a nonrepeat region: predicted to change the length of the protein and disrupt normal protein function. The variant has been observed in at least two similarly affected unrelated individuals (PMID: 22367170). The variant has been reported at least twice as pathogenic with clinical assertions and evidence for the classification (ClinVar ID: VCV000636689 / PMID: 22367170 / 3billion dataset).Therefore, this variant is classified as Pathogenic according to the recommendation of ACMG/AMP guideline.

Blueprint Genetics
Classification: Pathogenic for PKD1-related disorders. Last evaluated: 2023-08-04. Review status: criteria provided, single submitter. Criteria: ACMG Guidelines, 2015. Collection method: clinical testing. Allele origin: germline. Affected: yes. Observed: 5 variant alleles.

(GEEPAD) Grupo de Estudio de la Enfermedad Poliquística Autosómica Dominante, Hospitales Universitarios Virgen de las Nieves y San Cecilio (Granada)
Classification: Likely pathogenic for Polycystic kidney disease, adult type. Last evaluated: 2022-08-03. Review status: criteria provided, single submitter. Criteria: ACMG Guidelines, 2015. Collection method: clinical testing. Allele origin: germline. Affected: yes. Observed: 1 variant allele.

Cavalleri Lab, Royal College of Surgeons in Ireland
Classification: Likely pathogenic for Polycystic kidney disease, adult type. Last evaluated: 2020-02-05. Review status: criteria provided, single submitter. Criteria: ACMG Guidelines, 2015. Collection method: research. Allele origin: unknown. Inheritance: Autosomal dominant inheritance. Affected: yes.
Comment: PM2, PM4, PP4, PP5

ARUP Laboratories, Molecular Genetics and Genomics, ARUP Laboratories
Classification: Uncertain significance for Polycystic kidney disease, adult type. Last evaluated: 2019-12-20. Review status: criteria provided, single submitter. Criteria: ARUP Molecular Germline Variant Investigation Process. Collection method: clinical testing. Allele origin: germline.
Comment: The PKD1 c.8284_8295del; p.Ile2762_Arg2765del variant, also known as 8274_8285del, is reported in the literature in an individual with sporadic polycystic kidney disease (Neumann 2012). This variant is also reported in ClinVar (Variation ID: 636689). It is absent from general population databases (Exome Variant Server, Genome Aggregation Database), indicating it is not a common polymorphism. This variant deletes 4 amino acids leaving the rest of the protein in-frame. Although evidence suggests this variant may be pathogenic, the currently available information is insufficient to determine this with certainty. Therefore, the clinical significance of this variant is uncertain at this time. REFERENCES Neumann HP et al. Adult patients with sporadic polycystic kidney disease: the importance of screening for mutations in the PKD1 and PKD2 genes. Int Urol Nephrol. 2012 Dec;44(6):1753-62.

Centre for Mendelian Genomics, University Medical Centre Ljubljana
Classification: Likely pathogenic for Polycystic kidney disease, adult type. Last evaluated: 2019-04-09. Review status: criteria provided, single submitter. Criteria: ACMG Guidelines, 2015. Collection method: clinical testing. Allele origin: unknown. Affected: yes.
Comment: This variant was classified as: Likely pathogenic. The following ACMG criteria were applied in classifying this variant: PM2,PM4,PP3,PP4,PP5.

Literature cited by the submitters: PubMed 26453610 (cited by Victorian Clinical Genetics Services, Murdoch Childrens Research Institute); PubMed 33454723 (cited by Victorian Clinical Genetics Services, Murdoch Childrens Research Institute); PubMed 22367170 (cited by 3billion).